The following is an entry in ClinVar:

ClinVar aggregate classification (germline): Uncertain significance. Review status: criteria provided, multiple submitters, no conflicts (2 of 4 stars). 2 submissions from 2 submitters: Uncertain significance (2). Last evaluated 2024-07-20.

Conditions:
Marfan syndrome (MFS). Also called: Marfan's syndrome; Marfan syndrome, classic; MARFAN SYNDROME, TYPE I; Marfan syndrome type 1; FBN1-Related Marfan Syndrome. Identifiers: Orphanet 284963, Orphanet 558, MedGen C0024796, MONDO:0007947, OMIM 154700.

Submissions (2):

All of Us Research Program, National Institutes of Health
Classification: Uncertain significance for Marfan syndrome. Last evaluated: 2024-07-20. Review status: criteria provided, single submitter. Criteria: ACMG Guidelines, 2015. Collection method: clinical testing. Allele origin: germline. Inheritance: Autosomal dominant inheritance. Observed: 2 variant alleles, 2 heterozygotes.
Comment: This missense variant replaces isoleucine with methionine at codon 1203 of the FBN1 protein. Computational prediction suggests that this variant may have deleterious impact on protein structure and function (internally defined REVEL score threshold >= 0.7, PMID: 27666373). To our knowledge, functional studies have not been reported for this variant. This variant has not been reported in individuals affected with FBN1-related disorders in the literature. This variant has not been identified in the general population by the Genome Aggregation Database (gnomAD). The available evidence is insufficient to determine the role of this variant in disease conclusively. Therefore, this variant is classified as a Variant of Uncertain Significance.

This study involves interpretation of variants in research participants for the purpose of population health screening. Participant phenotype was not available at the time of variant classification. Additional details can be found in publication PMID: 35346344, PMCID: PMC8962531

Women's Health and Genetics/Laboratory Corporation of America, LabCorp
Classification: Uncertain significance. Last evaluated: 2022-07-25. Review status: criteria provided, single submitter. Criteria: LabCorp Variant Classification Summary - May 2015. Collection method: clinical testing. Allele origin: germline.
Comment: Variant summary: FBN1 c.3609A>G (p.Ile1203Met) results in a conservative amino acid change located in the EGF-like domain of the encoded protein sequence. Three of five in-silico tools predict a damaging effect of the variant on protein function. The variant was absent in 251460 control chromosomes. The available data on variant occurrences in the general population are insufficient to allow any conclusion about variant significance. To our knowledge, no occurrence of c.3609A>G in individuals affected with Marfan Syndrome and no experimental evidence demonstrating its impact on protein function have been reported. No clinical diagnostic laboratories have submitted clinical-significance assessments for this variant to ClinVar after 2014. Based on the evidence outlined above, the variant was classified as uncertain significance.

NM_000138.5(FBN1):c.3609A>G (p.Ile1203Met)

Gene: FBN1 (fibrillin 1; minus strand). Cytogenetic location: 15q21.1.
Variant type: single nucleotide variant.
Coding change: c.3609A>G on transcript NM_000138.5 (MANE Select); coding-DNA position 3609, A replaced by G.
Protein change: p.Ile1203Met; replaces isoleucine 1203 with methionine.
Molecular consequence: missense variant.
Genome position (GRCh38, 1-based): chr15:48,485,477, T>C on the plus strand (A>G on the coding strand, the complement: FBN1 is on the minus strand). VCF-style: chr15-48485477-T-C. GRCh37 (hg19) VCF-style: chr15-48777674-T-C.
Other names: c.3609A>G, p.Ile1203Met (NM_001406716.1); short protein forms I1203M.
Identifiers: ClinVar variation 1704483 (VCV001704483.3), dbSNP rs2505545138, ClinGen allele CA392324659.